The following is an entry in ClinVar:

ClinVar aggregate classification (germline): Uncertain significance. Review status: criteria provided, multiple submitters, no conflicts (2 of 4 stars). 3 submissions from 3 submitters: Uncertain significance (3). Last evaluated 2026-07-09.

Conditions:
DST-related disorder. Also called: DST-related condition; DST-related disorders.
Hereditary sensory and autonomic neuropathy type 6. Also called: HSAN VI; Neuropathy, hereditary sensory and autonomic, type VI. Identifiers: Orphanet 314381, MedGen C3539003, MONDO:0013839, OMIM 614653.
Epidermolysis bullosa simplex 3, localized or generalized intermediate, with BP230 deficiency (EBS3). Also called: Epidermolysis bullosa simplex, autosomal recessive 2; Epidermolysis bullosa simplex due to BP230 deficiency. Identifiers: Orphanet 412181, MedGen C3809470, MONDO:0014180, OMIM 615425.
Inborn genetic diseases. Identifiers: MedGen C0950123, MeSH D030342.

Allele frequency attached by ClinVar (database versions not stated): ExAC 0.00002; gnomAD exomes 0.00002 and 0.00004; TOPMed 0.00002; gnomAD 0.00003.
gnomAD v4.1: 55 of 1,604,868 alleles (0.0034%); highest among the groups gnomAD compares: Non-Finnish European, 0.0045%; no homozygotes.

Submissions (3):

PreventionGenetics, part of Exact Sciences
Classification: Uncertain significance for DST-related condition. Last evaluated: 2026-07-09. Review status: criteria provided, single submitter. Criteria: ACMG Guidelines, 2015. Collection method: clinical testing. Allele origin: germline.
Comment: The DST c.4949C>G variant is predicted to result in the amino acid substitution p.Ser1650Cys. To our knowledge, this variant has not been reported in the literature. This variant is predicted to alter splicing based on available splicing prediction programs (SpliceAI, Jaganathan et al. 2019. PubMed ID: 30661751). However, the use of computer prediction programs is not equivalent to functional evidence. This variant is reported in 0.0036% of alleles in individuals of European (Non-Finnish) descent in gnomAD. At this time, the clinical significance of this variant is uncertain due to the absence of conclusive functional and genetic evidence.

Labcorp Genetics (formerly Invitae), Labcorp
Classification: Uncertain significance for Epidermolysis bullosa simplex 3, localized or generalized intermediate, with BP230 deficiency; Hereditary sensory and autonomic neuropathy type 6. Last evaluated: 2022-06-27. Review status: criteria provided, single submitter. Criteria: Invitae Variant Classification Sherloc (09022015). Collection method: clinical testing. Allele origin: germline.
Comment: The DST gene has multiple clinically relevant transcripts. This variant occurs in alternate transcript NM_015548.4, and corresponds to NM_001723.5:c.*1151C>G in the primary transcript. This sequence change replaces serine, which is neutral and polar, with cysteine, which is neutral and slightly polar, at codon 1146 of the DST protein (p.Ser1146Cys). This variant is present in population databases (rs764786907, gnomAD 0.005%). This variant has not been reported in the literature in individuals affected with DST-related conditions. Experimental studies and prediction algorithms are not available or were not evaluated, and the functional significance of this variant is currently unknown. Algorithms developed to predict the effect of sequence changes on RNA splicing suggest that this variant may create or strengthen a splice site. In summary, the available evidence is currently insufficient to determine the role of this variant in disease. Therefore, it has been classified as a Variant of Uncertain Significance.

Ambry Genetics
Classification: Uncertain significance for Inborn genetic diseases. Last evaluated: 2021-08-10. Review status: criteria provided, single submitter. Criteria: Ambry Variant Classification Scheme 2023. Collection method: clinical testing. Allele origin: germline.
Comment: The p.S1650C variant (also known as c.4949C>G), located in coding exon 36 of the DST gene, results from a C to G substitution at nucleotide position 4949. The serine at codon 1650 is replaced by cysteine, an amino acid with dissimilar properties. This amino acid position is not well conserved in available vertebrate species. In addition, this alteration is predicted to be tolerated by in silico analysis. Since supporting evidence is limited at this time, the clinical significance of this alteration remains unclear.

NM_001374736.1(DST):c.5048C>G (p.Ser1683Cys)

Gene: DST (dystonin; minus strand). Cytogenetic location: 6p12.1.
Variant type: single nucleotide variant.
Coding change: c.5048C>G on transcript NM_001374736.1 (MANE Select); coding-DNA position 5048, C replaced by G.
Protein change: p.Ser1683Cys; replaces serine 1683 with cysteine.
Molecular consequence: missense variant.
Genome position (GRCh38, 1-based): chr6:56,614,366, G>C on the plus strand (C>G on the coding strand, the complement: DST is on the minus strand). VCF-style: chr6-56614366-G-C. GRCh37 (hg19) VCF-style: chr6-56479164-G-C.
Other names: c.4949C>G, p.Ser1650Cys (NM_001144769.5); c.4535C>G, p.Ser1512Cys (NM_001144770.2); c.5048C>G, p.Ser1683Cys (NM_001374722.1); c.4415C>G, p.Ser1472Cys (NM_001374729.1, NM_001374730.1, NM_001386100.1 and 1 more transcripts); c.5075C>G, p.Ser1692Cys (NM_001374734.1); c.3437C>G, p.Ser1146Cys (NM_015548.5); short protein forms S1146C, S1472C, S1512C, S1650C, S1683C, S1692C.
Identifiers: ClinVar variation 1057295 (VCV001057295.7), dbSNP rs764786907, ClinGen allele CA3869831.